The following is an entry in ClinVar:

ClinVar aggregate classification (germline): Likely benign. Review status: criteria provided, multiple submitters, no conflicts (2 of 4 stars). 3 submissions from 3 submitters: Likely benign (2). 1 of the submissions does not count toward it. Last evaluated 2026-01-25.

Conditions:
SYNE1-related disorder. Also called: SYNE1-related disorders; SYNE1-related disease; SYNE1-related condition.
Emery-Dreifuss muscular dystrophy 4, autosomal dominant (EDMD4). Also called: EMERY-DREIFUSS MUSCULAR DYSTROPHY 4 WITH VARIABLE FEATURES. Identifiers: Orphanet 261, MedGen C2751807, MONDO:0013071, OMIM 612998.
Autosomal recessive ataxia, Beauce type. Also called: ATAXIA, RECESSIVE, OF BEAUCE; SYNE1-Related Autosomal Recessive Cerebellar Ataxia; Spinocerebellar ataxia, autosomal recessive 8; SYNE1 Deficiency. Identifiers: Orphanet 88644, MedGen C1853116, MONDO:0012549, OMIM 610743.

Allele frequency attached by ClinVar (database versions not stated): ESP Exome Variant Server 0.00008; gnomAD 0.00025; TOPMed 0.00025; 1000 Genomes Project 30x 0.00047; 1000 Genomes Project 0.00060.
gnomAD v4.1: 144 of 1,613,556 alleles (0.0089%); highest among the groups gnomAD compares: East Asian, 0.26%; 2 homozygotes.

Submissions (3):

Labcorp Genetics (formerly Invitae), Labcorp
Classification: Likely benign for Emery-Dreifuss muscular dystrophy 4, autosomal dominant; Autosomal recessive ataxia, Beauce type. Last evaluated: 2026-01-25. Review status: criteria provided, single submitter. Criteria: Invitae Variant Classification Sherloc (09022015). Collection method: clinical testing. Allele origin: germline.

GeneDx
Classification: Likely benign. Last evaluated: 2017-01-25. Review status: criteria provided, single submitter. Criteria: GeneDx Variant Classification (06012015). Collection method: clinical testing. Allele origin: germline. Affected: yes.
Comment: This variant is considered likely benign or benign based on one or more of the following criteria: it is a conservative change, it occurs at a poorly conserved position in the protein, it is predicted to be benign by multiple in silico algorithms, and/or has population frequency not consistent with disease.

PreventionGenetics, part of Exact Sciences
Classification: Likely benign for SYNE1-related condition. Last evaluated: 2021-11-12. Review status: no assertion criteria provided. Collection method: clinical testing. Allele origin: germline. Not counted in ClinVar's aggregate classification.
Comment: This variant is classified as likely benign based on ACMG/AMP sequence variant interpretation guidelines (Richards et al. 2015 PMID: 25741868, with internal and published modifications).

NM_182961.4(SYNE1):c.866G>C (p.Ser289Thr)

Gene: SYNE1 (spectrin repeat containing nuclear envelope protein 1; minus strand). Cytogenetic location: 6q25.2.
Variant type: single nucleotide variant.
Coding change: c.866G>C on transcript NM_182961.4 (MANE Select); coding-DNA position 866, G replaced by C.
Protein change: p.Ser289Thr; replaces serine 289 with threonine.
Molecular consequence: missense variant.
Genome position (GRCh38, 1-based): chr6:152,502,655, C>G on the plus strand (G>C on the coding strand, the complement: SYNE1 is on the minus strand). VCF-style: chr6-152502655-C-G. GRCh37 (hg19) VCF-style: chr6-152823790-C-G.
Other names: c.887G>C, p.Ser296Thr (NM_033071.5); short protein forms S289T, S296T.
Identifiers: ClinVar variation 380339 (VCV000380339.15), dbSNP rs139190745, ClinGen allele CA4059602.
Genomic context (GRCh38, chr6:152,502,655, plus strand): 5'-GCATATACCAGTGATACTTGAAGAAAGCAAATACCTACATCATCCTCTTGCCCATCAGTG[C>G]TTGCATTGTGGATGTCAGGATAATGTTTCAGAAACTGGGCTACATAGGTCATAATAGATT-3'
Protein context (NP_892006.3, residues 279-299): LKHYPDIHNA[Ser289Thr]TDGQEDDEIL